The following is an entry in ClinVar:

ClinVar aggregate classification (germline): Uncertain significance (1 of 4 stars; one submission).

gnomAD v4.1: 1 of 1,557,456 alleles (0.000064%); highest among the groups gnomAD compares: Non-Finnish European, 0.000087%; no homozygotes.

Submission:

Women's Health and Genetics/Laboratory Corporation of America, LabCorp
Classification: Uncertain significance. Last evaluated: 2025-11-07. Review status: criteria provided, single submitter. Criteria: LabCorp Variant Classification Summary - May 2015. Collection method: clinical testing. Allele origin: germline.
Comment: Variant summary: ABCB11 c.403G>C (p.Glu135Gln) results in a conservative amino acid change in the encoded protein sequence. Algorithms developed to predict the effect of missense changes on protein structure and function are either unavailable or do not agree on the potential impact of this missense change. The variant allele was found at a frequency of 5.1e-06 in 195412 control chromosomes. The available data on variant occurrences in the general population are insufficient to allow any conclusion about variant significance. To our knowledge, no occurrence of c.403G>C in individuals affected with ABCB11-related conditions and no experimental evidence demonstrating its impact on protein function have been reported. No submitters have cited clinical-significance assessments for this variant to ClinVar. Based on the evidence outlined above, the variant was classified as uncertain significance.

NM_003742.4(ABCB11):c.403G>C (p.Glu135Gln)

Gene: ABCB11 (ATP binding cassette subfamily B member 11; minus strand). Cytogenetic location: 2q31.1.
Variant type: single nucleotide variant.
Coding change: c.403G>C on transcript NM_003742.4 (MANE Select); coding-DNA position 403, G replaced by C.
Protein change: p.Glu135Gln; replaces glutamic acid 135 with glutamine.
Molecular consequence: missense variant.
Genome position (GRCh38, 1-based): chr2:168,996,709, C>G on the plus strand (G>C on the coding strand, the complement: ABCB11 is on the minus strand). VCF-style: chr2-168996709-C-G. GRCh37 (hg19) VCF-style: chr2-169853219-C-G.
Other names: short protein forms E135Q.
Identifiers: ClinVar variation 4536962 (VCV004536962.1).